The following is an entry in ClinVar:

NM_004722.4(AP4M1):c.1041G>C (p.Leu347=)

Gene: AP4M1 (adaptor related protein complex 4 subunit mu 1; plus strand). Cytogenetic location: 7q22.1.
Variant type: single nucleotide variant.
Coding change: c.1041G>C on transcript NM_004722.4 (MANE Select); coding-DNA position 1041, G replaced by C.
Protein change: p.Leu347=; no amino-acid change (leucine 347 retained).
Molecular consequence: synonymous variant.
Genome position (GRCh38, 1-based): chr7:100,106,418, G>C. VCF-style: chr7-100106418-G-C. GRCh37 (hg19) VCF-style: chr7-99704041-G-C.
Other names: c.1062G>C, p.Leu354= (NM_001363671.2).
Identifiers: ClinVar variation 3061696 (VCV003061696.2), dbSNP rs780332629, ClinGen allele CA4374955.

ClinVar aggregate classification (germline): Likely benign (0 of 4 stars; one submission).

Conditions:
AP4M1-related disorder. Also called: AP4M1-related condition.

Allele frequency attached by ClinVar (database versions not stated): gnomAD exomes below 0.00001; ExAC 0.00002.

Submission:

PreventionGenetics, part of Exact Sciences
Classification: Likely benign for AP4M1-related condition. Last evaluated: 2021-12-03. Review status: no assertion criteria provided. Collection method: clinical testing. Allele origin: germline.
Comment: This variant is classified as likely benign based on ACMG/AMP sequence variant interpretation guidelines (Richards et al. 2015 PMID: 25741868, with internal and published modifications).